The following is an entry in ClinVar:

NM_017514.5(PLXNA3):c.3914G>A (p.Arg1305His)

Gene: PLXNA3 (plexin A3; plus strand). Cytogenetic location: Xq28.
Variant type: single nucleotide variant.
Coding change: c.3914G>A on transcript NM_017514.5 (MANE Select); coding-DNA position 3914, G replaced by A.
Protein change: p.Arg1305His; replaces arginine 1305 with histidine.
Molecular consequence: missense variant.
Genome position (GRCh38, 1-based): chrX:154,468,175, G>A. VCF-style: chrX-154468175-G-A. GRCh37 (hg19) VCF-style: chrX-153696518-G-A.
Other names: c.3914G>A (NM_017514.3); short protein forms R1305H.
Identifiers: ClinVar variation 3029869 (VCV003029869.4), dbSNP rs148059076, ClinGen allele CA10564752.

ClinVar aggregate classification (germline): Uncertain significance. Review status: criteria provided, multiple submitters, no conflicts (2 of 4 stars). 2 submissions from 2 submitters: Uncertain significance (2). Last evaluated 2026-08-31.

Conditions:
PLXNA3-related disorder. Also called: PLXNA3-related condition.

Allele frequency attached by ClinVar (database versions not stated): ExAC 0.00005; gnomAD 0.00006; TOPMed 0.00007; ESP Exome Variant Server 0.00009; gnomAD exomes 0.00014.
gnomAD v4.1: 152 of 1,185,641 alleles (0.013%); highest among the groups gnomAD compares: Non-Finnish European, 0.016%; no homozygotes.

Submissions (2):

PreventionGenetics, part of Exact Sciences
Classification: Uncertain significance for PLXNA3-related condition. Last evaluated: 2026-08-31. Review status: criteria provided, single submitter. Criteria: ACMG Guidelines, 2015. Collection method: clinical testing. Allele origin: germline.
Comment: The PLXNA3 c.3914G>A variant is predicted to result in the amino acid substitution p.Arg1305His. To our knowledge, this variant has not been reported in the literature. This variant is reported in 0.0097% of alleles in individuals of European (Non-Finnish) descent in gnomAD. At this time, the clinical significance of this variant is uncertain due to the absence of conclusive functional and genetic evidence.

Ambry Genetics
Classification: Uncertain significance. Last evaluated: 2024-11-14. Review status: criteria provided, single submitter. Criteria: Ambry Variant Classification Scheme 2023. Collection method: clinical testing. Allele origin: germline.